The following is an entry in ClinVar:

NM_199242.3(UNC13D):c.1279C>T (p.Arg427Trp)

Gene: UNC13D (unc-13 homolog D; minus strand). Cytogenetic location: 17q25.1.
Variant type: single nucleotide variant.
Coding change: c.1279C>T on transcript NM_199242.3 (MANE Select); coding-DNA position 1279, C replaced by T.
Protein change: p.Arg427Trp; replaces arginine 427 with tryptophan.
Molecular consequence: missense variant.
Genome position (GRCh38, 1-based): chr17:75,836,591, G>A on the plus strand (C>T on the coding strand, the complement: UNC13D is on the minus strand). VCF-style: chr17-75836591-G-A. GRCh37 (hg19) VCF-style: chr17-73832672-G-A.
Other names: short protein forms R427W.
Identifiers: ClinVar variation 889283 (VCV000889283.11), dbSNP rs779947557, ClinGen allele CA8773052.

ClinVar aggregate classification (germline): Uncertain significance. Review status: criteria provided, multiple submitters, no conflicts (2 of 4 stars). 4 submissions from 4 submitters: Uncertain significance (3). 1 of the submissions does not count toward it. Last evaluated 2026-01-06.

Conditions:
Familial hemophagocytic lymphohistiocytosis 3 (FHL3). Also called: UNC13D-Related Familial Hemophagocytic Lymphohistiocytosis (UNC13D-fHLH). Identifiers: Orphanet 540, MedGen C1837174, MONDO:0012146, OMIM 608898.

Allele frequency attached by ClinVar (database versions not stated): ExAC 0.00002; gnomAD exomes 0.00002; TOPMed 0.00003; gnomAD 0.00004.
gnomAD v4.1: 40 of 1,613,702 alleles (0.0025%); highest among the groups gnomAD compares: Admixed American, 0.005%; no homozygotes.

Submissions (4):

Labcorp Genetics (formerly Invitae), Labcorp
Classification: Uncertain significance for Familial hemophagocytic lymphohistiocytosis 3. Last evaluated: 2026-01-06. Review status: criteria provided, single submitter. Criteria: Invitae Variant Classification Sherloc (09022015). Collection method: clinical testing. Allele origin: germline.
Comment: This sequence change replaces arginine, which is basic and polar, with tryptophan, which is neutral and slightly polar, at codon 427 of the UNC13D protein (p.Arg427Trp). This variant is present in population databases (rs779947557, gnomAD 0.009%). This variant has not been reported in the literature in individuals affected with UNC13D-related conditions. ClinVar contains an entry for this variant (Variation ID: 889283). Invitae Evidence Modeling of protein sequence and biophysical properties (such as structural, functional, and spatial information, amino acid conservation, physicochemical variation, residue mobility, and thermodynamic stability) indicates that this missense variant is expected to disrupt UNC13D protein function with a positive predictive value of 80%. In summary, the available evidence is currently insufficient to determine the role of this variant in disease. Therefore, it has been classified as a Variant of Uncertain Significance.

Blueprint Genetics
Classification: Uncertain significance. Last evaluated: 2020-11-05. Review status: criteria provided, single submitter. Criteria: ACMG Guidelines, 2015. Collection method: clinical testing. Allele origin: germline.

Illumina Laboratory Services, Illumina
Classification: Uncertain significance for Familial hemophagocytic lymphohistiocytosis 3. Last evaluated: 2018-01-13. Review status: criteria provided, single submitter. Criteria: ICSL Variant Classification Criteria 13 December 2019. Collection method: clinical testing. Allele origin: germline.

Genetic Services Laboratory, University of Chicago
Classification: Uncertain significance. Last evaluated: 2022-09-23. Review status: no assertion criteria provided. Collection method: clinical testing. Allele origin: germline. Affected: no. Not counted in ClinVar's aggregate classification.
Comment: DNA sequence analysis of the UNC13D gene demonstrated a sequence change, c.1279C>T, in exon 14 that results in an amino acid change, p.Arg427Trp. This sequence change does not appear to have been previously described in individuals with UNC13D-related disorders. A sequence change affecting the same amino acid residue (p.Arg427Gln) has been reported in individuals with primary hemophagocytic lymphohistiocytosis (PMID: 29357941, 30899265). This sequence change has been described in the gnomAD database with a frequency of 0.0028% in the overall population (dbSNP rs779947557). The p.Arg427Trp change affects a moderately conserved amino acid residue located in a domain of the UNC13D protein that is not known to be functional. In-silico pathogenicity prediction tools (SIFT, PolyPhen2, Align GVGD, REVEL) provide contradictory results for the p.Arg427Trp substitution. Due to insufficient evidences and the lack of functional studies, the clinical significance of the p.Arg427Trp change remains unknown at this time.